The following is an entry in ClinVar:

ClinVar aggregate classification (germline): Likely benign. Review status: criteria provided, multiple submitters, no conflicts (2 of 4 stars). 2 submissions from 2 submitters: Likely benign (2). Last evaluated 2018-06-14.

Allele frequency attached by ClinVar (database versions not stated): 1000 Genomes Project 30x 0.02811; 1000 Genomes Project 0.02835; TOPMed 0.03509.
gnomAD v4.1: 57,646 of 1,576,160 alleles (3.7%); highest among the groups gnomAD compares: African/African-American, 4.3%; 1,233 homozygotes.

Submissions (2):

GeneDx
Classification: Likely benign. Last evaluated: 2018-06-14. Review status: criteria provided, single submitter. Criteria: GeneDx Variant Classification (06012015). Collection method: clinical testing. Allele origin: germline. Affected: yes.
Comment: This variant is considered likely benign or benign based on one or more of the following criteria: it is a conservative change, it occurs at a poorly conserved position in the protein, it is predicted to be benign by multiple in silico algorithms, and/or has population frequency not consistent with disease.

Breakthrough Genomics
Classification: Likely benign. Review status: criteria provided, single submitter. Criteria: ACMG Guidelines, 2015. Collection method: not provided. Allele origin: germline. Inheritance: Autosomal recessive inheritance. Affected: yes.

NM_014384.3(ACAD8):c.491-35C>A

Gene: ACAD8 (acyl-CoA dehydrogenase family member 8; plus strand). Cytogenetic location: 11q25.
Variant type: single nucleotide variant.
Coding change: c.491-35C>A on transcript NM_014384.3 (MANE Select); 35 bases into the intron before coding-DNA position 491, C replaced by A.
Molecular consequence: intron variant.
Genome position (GRCh38, 1-based): chr11:134,258,973, C>A. VCF-style: chr11-134258973-C-A. GRCh37 (hg19) VCF-style: chr11-134128867-C-A.
Identifiers: ClinVar variation 673126 (VCV000673126.2), dbSNP rs12800491, ClinGen allele CA6372963.